The following is an entry in ClinVar:

ClinVar aggregate classification (germline): Uncertain significance (1 of 4 stars; one submission).

Allele frequency attached by ClinVar (database versions not stated): gnomAD exomes below 0.00001; ExAC 0.00002.
gnomAD v4.1: 1 of 1,614,130 alleles (0.000062%); highest among the groups gnomAD compares: Non-Finnish European, 0.000085%; no homozygotes.

Submission:

ARUP Laboratories, Molecular Genetics and Genomics, ARUP Laboratories
Classification: Uncertain significance. Last evaluated: 2018-01-28. Review status: criteria provided, single submitter. Criteria: ARUP Molecular Germline Variant Investigation Process. Collection method: clinical testing. Allele origin: germline.
Comment: The MYLK c.5392G>A; p.Glu1798Lys variant (rs777616795), to our knowledge, is not reported in the medical literature, gene specific variation databases, nor has it been previously identified by our laboratory. This variant is listed in the genome Aggregation Database (gnomAD) with an overall population frequency of 0.0004% (identified on 1 out of 245,864 chromosomes). The glutamic acid at position 1798 is moderately conserved, considering 12 species, and computational analyses of the effects of the p.Glu1798Lys variant on protein structure and function make conflicting predictions (SIFT: tolerated, MutationTaster: disease causing, PolyPhen-2: probably damaging). Based on the available information, the clinical significance of the p.Glu1798Lys variant cannot be determined with certainty.

NM_053025.4(MYLK):c.5392G>A (p.Glu1798Lys)

Genes: MYLK-AS1 (MYLK antisense RNA 1; plus strand), MYLK (myosin light chain kinase; minus strand). Cytogenetic location: 3q21.1.
Variant type: single nucleotide variant.
Coding change: c.5392G>A on transcript NM_053025.4 (MANE Select); coding-DNA position 5392, G replaced by A.
Protein change: p.Glu1798Lys; replaces glutamic acid 1798 with lysine.
Molecular consequence: missense variant.
Genome position (GRCh38, 1-based): chr3:123,618,747, C>T on the plus strand (G>A on the coding strand, the complement: MYLK is on the minus strand). VCF-style: chr3-123618747-C-T. GRCh37 (hg19) VCF-style: chr3-123337594-C-T.
Other names: c.4864G>A, p.Glu1622Lys (NM_001321309.2); c.5185G>A, p.Glu1729Lys (NM_053026.4); c.5239G>A, p.Glu1747Lys (NM_053027.4); c.5032G>A, p.Glu1678Lys (NM_053028.4); c.109G>A, p.Glu37Lys (NM_053031.4); c.112G>A, p.Glu38Lys (NM_053032.4); short protein forms E1798K, E1622K, E1747K, E37K, E38K, E1678K, E1729K.
Identifiers: ClinVar variation 618235 (VCV000618235.9), dbSNP rs777616795, ClinGen allele CA072910.